The following is an entry in ClinVar:

ClinVar aggregate classification (germline): Uncertain significance (1 of 4 stars; one submission).

Conditions:
Developmental and epileptic encephalopathy, 23 (DEE23). Also called: Epileptic encephalopathy, early infantile, 23. Identifiers: Orphanet 411986, MedGen C4014492, MONDO:0014371, OMIM 615859.

Allele frequency attached by ClinVar (database versions not stated): gnomAD exomes below 0.00001 and 0.00001; ExAC 0.00001; gnomAD 0.00001; TOPMed 0.00003.
gnomAD v4.1: 5 of 1,613,550 alleles (0.00031%); highest among the groups gnomAD compares: East Asian, 0.0089%; no homozygotes.

Submission:

Labcorp Genetics (formerly Invitae), Labcorp
Classification: Uncertain significance for Developmental and epileptic encephalopathy, 23. Last evaluated: 2021-11-04. Review status: criteria provided, single submitter. Criteria: Invitae Variant Classification Sherloc (09022015). Collection method: clinical testing. Allele origin: germline.
Comment: This sequence change replaces threonine, which is neutral and polar, with alanine, which is neutral and non-polar, at codon 1163 of the DOCK7 protein (p.Thr1163Ala). This variant is present in population databases (rs772981277, gnomAD 0.02%). This variant has not been reported in the literature in individuals affected with DOCK7-related conditions. Algorithms developed to predict the effect of missense changes on protein structure and function are either unavailable or do not agree on the potential impact of this missense change (SIFT: "Deleterious"; PolyPhen-2: "Benign"; Align-GVGD: "Class C0"). In summary, the available evidence is currently insufficient to determine the role of this variant in disease. Therefore, it has been classified as a Variant of Uncertain Significance.

NM_001367561.1(DOCK7):c.3487A>G (p.Thr1163Ala)

Gene: DOCK7 (dedicator of cytokinesis 7; minus strand). Cytogenetic location: 1p31.3.
Variant type: single nucleotide variant.
Coding change: c.3487A>G on transcript NM_001367561.1 (MANE Select); coding-DNA position 3487, A replaced by G.
Protein change: p.Thr1163Ala; replaces threonine 1163 with alanine.
Molecular consequence: missense variant.
Genome position (GRCh38, 1-based): chr1:62,535,617, T>C on the plus strand (A>G on the coding strand, the complement: DOCK7 is on the minus strand). VCF-style: chr1-62535617-T-C. GRCh37 (hg19) VCF-style: chr1-63001288-T-C.
Other names: c.3487A>G, p.Thr1163Ala (NM_001271999.2, NM_001330614.2); c.3394A>G, p.Thr1132Ala (NM_001272000.2, NM_001272001.2, NM_033407.4); short protein forms T1132A, T1163A.
Identifiers: ClinVar variation 1449324 (VCV001449324.3), dbSNP rs772981277, ClinGen allele CA885975.
Genomic context (GRCh38, chr1:62,535,617, plus strand): 5'-GTTGGCGGAAAGGCACGGATAATTCAAACATATTTGCAATCTTTTGGTCTTGTACATTCG[T>C]AGAAAATCCAGAACTCTGTTGGAAAGTGAGGCAGAACAAGACTATAACAGCAGTGCAACA-3'
Protein context (NP_001354490.1, residues 1153-1173): SATSQSSGFS[Thr1163Ala]NVQDQKIANM